The following is an entry in ClinVar:

ClinVar aggregate classification (germline): Uncertain significance. Review status: criteria provided, multiple submitters, no conflicts (2 of 4 stars). 2 submissions from 2 submitters: Uncertain significance (2). Last evaluated 2025-05-04.

Conditions:
Inborn genetic diseases. Identifiers: MedGen C0950123, MeSH D030342.

gnomAD v4.1: 21 of 1,614,008 alleles (0.0013%); highest among the groups gnomAD compares: Non-Finnish European, 0.0018%; no homozygotes.

Submissions (2):

Ambry Genetics
Classification: Uncertain significance for Inborn genetic diseases. Last evaluated: 2025-05-04. Review status: criteria provided, single submitter. Criteria: Ambry Variant Classification Scheme 2023. Collection method: clinical testing. Allele origin: germline.

Labcorp Genetics (formerly Invitae), Labcorp
Classification: Uncertain significance. Last evaluated: 2024-02-14. Review status: criteria provided, single submitter. Criteria: Invitae Variant Classification Sherloc (09022015). Collection method: clinical testing. Allele origin: germline.
Comment: This sequence change replaces methionine, which is neutral and non-polar, with valine, which is neutral and non-polar, at codon 515 of the TCF20 protein (p.Met515Val). This variant is present in population databases (rs773615880, gnomAD 0.002%). This variant has not been reported in the literature in individuals affected with TCF20-related conditions. Algorithms developed to predict the effect of missense changes on protein structure and function output the following: SIFT: "Not Available"; PolyPhen-2: "Benign"; Align-GVGD: "Not Available". The valine amino acid residue is found in multiple mammalian species, which suggests that this missense change does not adversely affect protein function. In summary, the available evidence is currently insufficient to determine the role of this variant in disease. Therefore, it has been classified as a Variant of Uncertain Significance.

NM_001378418.1(TCF20):c.1543A>G (p.Met515Val)

Gene: TCF20 (transcription factor 20; minus strand). Cytogenetic location: 22q13.2.
Variant type: single nucleotide variant.
Coding change: c.1543A>G on transcript NM_001378418.1 (MANE Select); coding-DNA position 1543, A replaced by G.
Protein change: p.Met515Val; replaces methionine 515 with valine.
Molecular consequence: missense variant.
Genome position (GRCh38, 1-based): chr22:42,213,763, T>C on the plus strand (A>G on the coding strand, the complement: TCF20 is on the minus strand). VCF-style: chr22-42213763-T-C. GRCh37 (hg19) VCF-style: chr22-42609769-T-C.
Other names: c.1543A>G (NM_005650.1); c.1543A>G, p.Met515Val (NM_005650.4, NM_181492.3); short protein forms M515V.
Identifiers: ClinVar variation 3625071 (VCV003625071.3).
Genomic context (GRCh38, chr22:42,213,763, plus strand): 5'-GCACTCTCTCGCCTTGATCCTCTGAACTGCTGGAGCAGCCTCCATCTAATGACTCTGCCA[T>C]AGGGGACTTCAGCTGTTCTTCAGGTTGTGAGGAGCCTTCAGAATTTGTGCAGCTATCTGC-3'
Protein context (NP_001365347.1, residues 505-525): SQPEEQLKSP[Met515Val]AESLDGGCSS